The following is an entry in ClinVar:

ClinVar aggregate classification (germline): Conflicting classifications of pathogenicity. Review status: criteria provided, conflicting classifications (1 of 4 stars). 4 submissions from 4 submitters: Uncertain significance (3); Likely benign (1). Last evaluated 2025-08-19.

Conditions:
Inborn genetic diseases. Identifiers: MedGen C0950123, MeSH D030342.

Allele frequency attached by ClinVar (database versions not stated): gnomAD 0.00009 and 0.00010; gnomAD exomes 0.00019.
gnomAD v4.1: 199 of 1,581,932 alleles (0.013%); highest among the groups gnomAD compares: South Asian, 0.0091%; no homozygotes.

Submissions (4):

Ambry Genetics
Classification: Likely benign for Inborn genetic diseases. Last evaluated: 2025-08-19. Review status: criteria provided, single submitter. Criteria: Ambry Variant Classification Scheme 2023. Collection method: clinical testing. Allele origin: germline.

Blueprint Genetics
Classification: Uncertain significance. Last evaluated: 2024-04-26. Review status: criteria provided, single submitter. Criteria: ACMG Guidelines, 2015. Collection method: clinical testing. Allele origin: germline.

Labcorp Genetics (formerly Invitae), Labcorp
Classification: Uncertain significance. Last evaluated: 2021-11-23. Review status: criteria provided, single submitter. Criteria: Invitae Variant Classification Sherloc (09022015). Collection method: clinical testing. Allele origin: germline.
Comment: This variant has not been reported in the literature in individuals affected with PROM1-related conditions. In summary, the available evidence is currently insufficient to determine the role of this variant in disease. Therefore, it has been classified as a Variant of Uncertain Significance. Algorithms developed to predict the effect of missense changes on protein structure and function output the following: SIFT: "Tolerated"; PolyPhen-2: "Benign"; Align-GVGD: "Class C0". The glutamine amino acid residue is found in multiple mammalian species, which suggests that this missense change does not adversely affect protein function. ClinVar contains an entry for this variant (Variation ID: 624044). This variant is present in population databases (rs201692179, gnomAD 0.1%). This sequence change replaces arginine, which is basic and polar, with glutamine, which is neutral and polar, at codon 526 of the PROM1 protein (p.Arg526Gln).

CeGaT Center for Human Genetics Tuebingen
Classification: Uncertain significance. Last evaluated: 2018-06-01. Review status: criteria provided, single submitter. Criteria: CeGaT Center For Human Genetics Tuebingen Variant Classification Criteria Version 2. Collection method: clinical testing. Allele origin: germline. Affected: yes. Observed: 1 variant allele.

NM_006017.3(PROM1):c.1577G>A (p.Arg526Gln)

Gene: PROM1 (prominin 1; minus strand). Cytogenetic location: 4p15.32.
Variant type: single nucleotide variant.
Coding change: c.1577G>A on transcript NM_006017.3 (MANE Select); coding-DNA position 1577, G replaced by A.
Protein change: p.Arg526Gln; replaces arginine 526 with glutamine.
Molecular consequence: missense variant.
Genome position (GRCh38, 1-based): chr4:16,000,497, C>T on the plus strand (G>A on the coding strand, the complement: PROM1 is on the minus strand). VCF-style: chr4-16000497-C-T. GRCh37 (hg19) VCF-style: chr4-16002120-C-T.
Other names: c.1550G>A, p.Arg517Gln (NM_001145847.2, NM_001145848.2, NM_001145851.2 and 4 more transcripts); c.1577G>A, p.Arg526Gln (NM_001145849.2, NM_001145850.2); short protein forms R526Q, R517Q.
Identifiers: ClinVar variation 624044 (VCV000624044.52), dbSNP rs201692179, ClinGen allele CA2866730.